The following is an entry in ClinVar:

NM_181486.4(TBX5):c.958A>T (p.Ile320Phe)

Gene: TBX5 (T-box transcription factor 5; minus strand). Cytogenetic location: 12q24.21.
Variant type: single nucleotide variant.
Coding change: c.958A>T on transcript NM_181486.4 (MANE Select); coding-DNA position 958, A replaced by T.
Protein change: p.Ile320Phe; replaces isoleucine 320 with phenylalanine.
Molecular consequence: missense variant.
Genome position (GRCh38, 1-based): chr12:114,366,189, T>A on the plus strand (A>T on the coding strand, the complement: TBX5 is on the minus strand). VCF-style: chr12-114366189-T-A. GRCh37 (hg19) VCF-style: chr12-114803994-T-A.
Other names: c.958A>T, p.Ile320Phe (NM_000192.3); c.808A>T, p.Ile270Phe (NM_080717.4); short protein forms I320F, I270F.
Identifiers: ClinVar variation 1767464 (VCV001767464.5), dbSNP rs1167784513, ClinGen allele CA386926266.
Genomic context (GRCh38, chr12:114,366,189, plus strand): 5'-AAAGAAAGCAAATTGACCAGGGGTGATCACACTCACCTTTCCTCTTGGTACAATGGTAAA[T>A]TTGGCTATGCTCCTGGGGCAGTGGGTATGGGTTGGGTGGAGGCAGGAGGTCCTGGGAGGG-3'
Protein context (NP_852259.1, residues 310-330): PYPLPQEHSQ[Ile320Phe]YHCTKRKEEE

ClinVar aggregate classification (germline): Uncertain significance. Review status: criteria provided, multiple submitters, no conflicts (2 of 4 stars). 2 submissions from 2 submitters: Uncertain significance (2). Last evaluated 2025-08-08.

Conditions:
Aortic valve disease 2 (AOVD2). Identifiers: MedGen C3542024, MONDO:0013902, OMIM 614823.
Cardiovascular phenotype. Identifiers: MedGen CN230736.

gnomAD v4.1: 5 of 1,614,114 alleles (0.00031%); highest among the groups gnomAD compares: Non-Finnish European, 0.00042%; no homozygotes.

Submissions (2):

Ambry Genetics
Classification: Uncertain significance for Cardiovascular phenotype. Last evaluated: 2025-08-08. Review status: criteria provided, single submitter. Criteria: Ambry Variant Classification Scheme 2023. Collection method: clinical testing. Allele origin: germline.
Comment: The p.I320F variant (also known as c.958A>T), located in coding exon 7 of the TBX5 gene, results from an A to T substitution at nucleotide position 958. The isoleucine at codon 320 is replaced by phenylalanine, an amino acid with highly similar properties. This amino acid position is conserved. In addition, this alteration is predicted to be tolerated by in silico analysis. Since supporting evidence is limited at this time, the clinical significance of this alteration remains unclear.

Labcorp Genetics (formerly Invitae), Labcorp
Classification: Uncertain significance for Aortic valve disease 2. Last evaluated: 2024-12-20. Review status: criteria provided, single submitter. Criteria: Invitae Variant Classification Sherloc (09022015). Collection method: clinical testing. Allele origin: germline.
Comment: This sequence change replaces isoleucine, which is neutral and non-polar, with phenylalanine, which is neutral and non-polar, at codon 320 of the TBX5 protein (p.Ile320Phe). This variant is present in population databases (no rsID available, gnomAD 0.0009%). This variant has not been reported in the literature in individuals affected with TBX5-related conditions. ClinVar contains an entry for this variant (Variation ID: 1767464). Invitae Evidence Modeling of protein sequence and biophysical properties (such as structural, functional, and spatial information, amino acid conservation, physicochemical variation, residue mobility, and thermodynamic stability) indicates that this missense variant is not expected to disrupt TBX5 protein function with a negative predictive value of 80%. In summary, the available evidence is currently insufficient to determine the role of this variant in disease. Therefore, it has been classified as a Variant of Uncertain Significance.